The following is an entry in ClinVar:

ClinVar aggregate classification (germline): Uncertain significance (1 of 4 stars; one submission).

Submission:

GeneDx
Classification: Uncertain significance. Last evaluated: 2024-08-26. Review status: criteria provided, single submitter. Criteria: GeneDx Variant Classification Process June 2021. Collection method: clinical testing. Allele origin: germline. Affected: yes.
Comment: Not observed at significant frequency in large population cohorts (gnomAD); In silico analysis indicates that this missense variant does not alter protein structure/function; Has not been previously published as pathogenic or benign to our knowledge

NM_001111125.3(IQSEC2):c.559G>A (p.Gly187Ser)

Gene: IQSEC2 (IQ motif and Sec7 domain ArfGEF 2; minus strand). Cytogenetic location: Xp11.22.
Variant type: single nucleotide variant.
Coding change: c.559G>A on transcript NM_001111125.3 (MANE Select); coding-DNA position 559, G replaced by A.
Protein change: p.Gly187Ser; replaces glycine 187 with serine.
Molecular consequence: missense variant.
Genome position (GRCh38, 1-based): chrX:53,320,565, C>T on the plus strand (G>A on the coding strand, the complement: IQSEC2 is on the minus strand). VCF-style: chrX-53320565-C-T. GRCh37 (hg19) VCF-style: chrX-53349763-C-T.
Other names: c.559G>A, p.Gly187Ser (NM_001410736.1); short protein forms G187S.
Identifiers: ClinVar variation 3766071 (VCV003766071.1).
Genomic context (GRCh38, chrX:53,320,565, plus strand): 5'-GGCTCAGCTGGCCCCGCTCCCGCGGTGGCCGCGGCCCCACGCCCACCGCCGCCGAATAGC[C>T]CGCTTCCTTCTCGCGGCCCGGGTGCGCCGGCCCGGCCTCCCGCCCGCCACGCTCGCGACC-3'
Protein context (NP_001104595.1, residues 177-197): PAHPGREKEA[Gly187Ser]YSAAVGVGPR